The following is an entry in ClinVar:

ClinVar aggregate classification (germline): Benign (1 of 4 stars; one submission).

Allele frequency attached by ClinVar (database versions not stated): gnomAD 0.07027 and 0.07373; 1000 Genomes Project 0.07169; 1000 Genomes Project 30x 0.07433; TOPMed 0.07834.
gnomAD v4.1: 10,598 of 152,174 alleles (7%); highest among the groups gnomAD compares: African/African-American, 20%; 911 homozygotes.

Submission:

GeneDx
Classification: Benign. Last evaluated: 2018-06-16. Review status: criteria provided, single submitter. Criteria: GeneDx Variant Classification (06012015). Collection method: clinical testing. Allele origin: germline. Affected: yes.
Comment: This variant is considered likely benign or benign based on one or more of the following criteria: it is a conservative change, it occurs at a poorly conserved position in the protein, it is predicted to be benign by multiple in silico algorithms, and/or has population frequency not consistent with disease.

NM_001184.4(ATR):c.5197-289A>G

Gene: ATR (ATR checkpoint kinase; minus strand). Cytogenetic location: 3q23.
Variant type: single nucleotide variant.
Coding change: c.5197-289A>G on transcript NM_001184.4 (MANE Select); 289 bases into the intron before coding-DNA position 5197, A replaced by G.
Molecular consequence: intron variant.
Genome position (GRCh38, 1-based): chr3:142,503,742, T>C on the plus strand (A>G on the coding strand, the complement: ATR is on the minus strand). VCF-style: chr3-142503742-T-C. GRCh37 (hg19) VCF-style: chr3-142222584-T-C.
Other names: c.5005-289A>G (NM_001354579.2).
Identifiers: ClinVar variation 673691 (VCV000673691.1), dbSNP rs7618253, ClinGen allele CA84765842.